The following is an entry in ClinVar:

ClinVar aggregate classification (germline): Uncertain significance (1 of 4 stars; one submission).

gnomAD v4.1: 11 of 1,599,468 alleles (0.00069%); highest among the groups gnomAD compares: East Asian, 0.0023%; no homozygotes.

Submission:

Labcorp Genetics (formerly Invitae), Labcorp
Classification: Uncertain significance. Last evaluated: 2022-06-28. Review status: criteria provided, single submitter. Criteria: Invitae Variant Classification Sherloc (09022015). Collection method: clinical testing. Allele origin: germline.
Comment: This sequence change replaces asparagine, which is neutral and polar, with lysine, which is basic and polar, at codon 411 of the TULP1 protein (p.Asn411Lys). The frequency data for this variant in the population databases is considered unreliable, as metrics indicate poor data quality at this position in the gnomAD database. This variant has not been reported in the literature in individuals affected with TULP1-related conditions. Algorithms developed to predict the effect of missense changes on protein structure and function are either unavailable or do not agree on the potential impact of this missense change (SIFT: "Not Available"; PolyPhen-2: "Probably Damaging"; Align-GVGD: "Not Available"). In summary, the available evidence is currently insufficient to determine the role of this variant in disease. Therefore, it has been classified as a Variant of Uncertain Significance.

NM_003322.6(TULP1):c.1233C>A (p.Asn411Lys)

Gene: TULP1 (TUB like protein 1; minus strand). Cytogenetic location: 6p21.31.
Variant type: single nucleotide variant.
Coding change: c.1233C>A on transcript NM_003322.6 (MANE Select); coding-DNA position 1233, C replaced by A.
Protein change: p.Asn411Lys; replaces asparagine 411 with lysine.
Molecular consequence: missense variant.
Genome position (GRCh38, 1-based): chr6:35,503,649, G>T on the plus strand (C>A on the coding strand, the complement: TULP1 is on the minus strand). VCF-style: chr6-35503649-G-T. GRCh37 (hg19) VCF-style: chr6-35471426-G-T.
Other names: c.1074C>A, p.Asn358Lys (NM_001289395.2); short protein forms N358K, N411K.
Identifiers: ClinVar variation 2420984 (VCV002420984.2), dbSNP rs377376210, ClinGen allele CA3772618.